The following is an entry in ClinVar:

ClinVar aggregate classification (germline): Conflicting classifications of pathogenicity. Review status: criteria provided, conflicting classifications (1 of 4 stars). 4 submissions from 4 submitters: Uncertain significance (1); Likely benign (3). Last evaluated 2026-06-01.

Conditions:
Muscular dystrophy-dystroglycanopathy (congenital with brain and eye anomalies), type a, 8 (MDDGA8). Also called: WALKER-WARBURG SYNDROME OR MUSCLE-EYE-BRAIN DISEASE, GTDC2-RELATED. Identifiers: Orphanet 899, MedGen C3553813, MONDO:0013904, OMIM 614830.

Allele frequency attached by ClinVar (database versions not stated): gnomAD exomes 0.00004 and 0.00019; ExAC 0.00005; ESP Exome Variant Server 0.00008; gnomAD 0.00029 and 0.00031; TOPMed 0.00030.

Submissions (4):

CeGaT Center for Human Genetics Tuebingen
Classification: Likely benign. Last evaluated: 2026-06-01. Review status: criteria provided, single submitter. Criteria: CeGaT Center For Human Genetics Tuebingen Variant Classification Criteria Version 2. Collection method: clinical testing. Allele origin: germline. Affected: yes. Observed: 1 variant allele.
Comment: POMGNT2: BP4, BP7

Labcorp Genetics (formerly Invitae), Labcorp
Classification: Likely benign for Muscular dystrophy-dystroglycanopathy (congenital with brain and eye anomalies), type a, 8. Last evaluated: 2026-01-26. Review status: criteria provided, single submitter. Criteria: Invitae Variant Classification Sherloc (09022015). Collection method: clinical testing. Allele origin: germline.

GeneDx
Classification: Likely benign. Last evaluated: 2018-02-08. Review status: criteria provided, single submitter. Criteria: GeneDx Variant Classification (06012015). Collection method: clinical testing. Allele origin: germline. Affected: yes.
Comment: This variant is considered likely benign or benign based on one or more of the following criteria: it is a conservative change, it occurs at a poorly conserved position in the protein, it is predicted to be benign by multiple in silico algorithms, and/or has population frequency not consistent with disease.

Eurofins Ntd Llc (ga)
Classification: Uncertain significance. Last evaluated: 2016-12-29. Review status: criteria provided, single submitter. Criteria: EGL Classification Definitions 2015. Collection method: clinical testing. Allele origin: germline. Observed: 1 variant allele, 1 heterozygote.

NM_032806.6(POMGNT2):c.780A>G (p.Ser260=)

Gene: POMGNT2 (protein O-linked mannose N-acetylglucosaminyltransferase 2 (beta 1,4-); minus strand). Cytogenetic location: 3p22.1.
Variant type: single nucleotide variant.
Coding change: c.780A>G on transcript NM_032806.6 (MANE Select); coding-DNA position 780, A replaced by G.
Protein change: p.Ser260=; no amino-acid change (serine 260 retained).
Molecular consequence: synonymous variant.
Genome position (GRCh38, 1-based): chr3:43,080,652, T>C on the plus strand (A>G on the coding strand, the complement: POMGNT2 is on the minus strand). VCF-style: chr3-43080652-T-C. GRCh37 (hg19) VCF-style: chr3-43122144-T-C.
Identifiers: ClinVar variation 498782 (VCV000498782.16), dbSNP rs371749889, ClinGen allele CA2339996.
Genomic context (GRCh38, chr3:43,080,652, plus strand): 5'-TGTGTGGCTCACGTTCAGCTTTTCTGTCATGAACCGTGCAAACTGCCGGATCTCATTGCC[T>C]GAGACGAGGATGTTGGCCTTCGGGCCCTGGGGCTGCACAAAGCCATACTGGTACCAGGTA-3'
Protein context (NP_116195.2, residues 250-270): PQGPKANILV[Ser260=]GNEIRQFARF